The following is an entry in ClinVar:

ClinVar aggregate classification (germline): Pathogenic (1 of 4 stars; one submission).

Conditions:
Familial adenomatous polyposis 1 (FAP1). Also called: FAMILIAL ADENOMATOUS POLYPOSIS 1, ATTENUATED; POLYPOSIS, ADENOMATOUS INTESTINAL. Identifiers: MedGen C2713442, MONDO:0021056, OMIM 175100. Disease mechanism: loss of function.

Submission:

Labcorp Genetics (formerly Invitae), Labcorp
Classification: Pathogenic for Familial adenomatous polyposis 1. Last evaluated: 2022-02-24. Review status: criteria provided, single submitter. Criteria: Invitae Variant Classification Sherloc (09022015). Collection method: clinical testing. Allele origin: germline.
Comment: For these reasons, this variant has been classified as Pathogenic. This sequence change creates a premature translational stop signal (p.Glu1295*) in the APC gene. While this is not anticipated to result in nonsense mediated decay, it is expected to disrupt the last 1549 amino acid(s) of the APC protein. This variant is not present in population databases (gnomAD no frequency). This variant has not been reported in the literature in individuals affected with APC-related conditions. This variant is expected to disrupt the EB1 and HDLG binding sites, which mediate interactions with the cytoskeleton (PMID: 15311282, 17293347). While functional studies have not been performed to directly test the effect on APC protein function, this suggests that disruption of the C-terminal portion of the protein is functionally important. A different truncation (p.Tyr2645Lysfs*14) that lies downstream of this variant has been determined to be pathogenic (PMID: 9824584, 1316610, 27081525, 8381579, 22135120, Invitae). This suggests that deletion of this region of the APC protein is causative of disease.

Literature cited by the submitters: PubMed 15311282; PubMed 17293347; PubMed 9824584; PubMed 1316610; PubMed 27081525; PubMed 8381579; PubMed 22135120.

NM_000038.6(APC):c.3883G>T (p.Glu1295Ter)

Gene: APC (APC regulator of Wnt signaling pathway; plus strand). Cytogenetic location: 5q22.2.
Variant type: single nucleotide variant.
Coding change: c.3883G>T on transcript NM_000038.6 (MANE Select); coding-DNA position 3883, G replaced by T.
Protein change: p.Glu1295Ter; replaces glutamic acid 1295 with a stop codon.
Molecular consequence: nonsense.
Genome position (GRCh38, 1-based): chr5:112,839,477, G>T. VCF-style: chr5-112839477-G-T. GRCh37 (hg19) VCF-style: chr5-112175174-G-T.
Other names: c.3883G>T, p.Glu1295Ter (NM_001127510.3, NM_001354895.2, NM_001407450.1); c.3829G>T, p.Glu1277Ter (NM_001127511.3); c.3937G>T, p.Glu1313Ter (NM_001354896.2, NM_001407447.1, NM_001407448.1 and 1 more transcripts); c.3913G>T, p.Glu1305Ter (NM_001354897.2); c.3808G>T, p.Glu1270Ter (NM_001354898.2); c.3799G>T, p.Glu1267Ter (NM_001354899.2); c.3760G>T, p.Glu1254Ter (NM_001354900.2); c.3706G>T, p.Glu1236Ter (NM_001354901.2, NM_001407453.1); and 11 more; short protein forms E1212*, E1254*, E1288*, E1295*, E1305*, E1323*, E1012*, E1135*.
Identifiers: ClinVar variation 2102818 (VCV002102818.4), dbSNP rs2149901204, ClinGen allele CA16029854.
Genomic context (GRCh38, chr5:112,839,477, plus strand): 5'-AGTTCATTATCATCTTTGTCATCAGCTGAAGATGAAATAGGATGTAATCAGACGACACAG[G>T]AAGCAGATTCTGCTAATACCCTGCAAATAGCAGAAATAAAAGAAAAGATTGGAACTAGGT-3'